The following is an entry in ClinVar:

NM_032578.4(MYPN):c.1893G>A (p.Arg631=)

Gene: MYPN (myopalladin; plus strand). Cytogenetic location: 10q21.3.
Variant type: single nucleotide variant.
Coding change: c.1893G>A on transcript NM_032578.4 (MANE Select); coding-DNA position 1893, G replaced by A.
Protein change: p.Arg631=; no amino-acid change (arginine 631 retained).
Molecular consequence: synonymous variant. On other transcripts: non-coding transcript variant (2).
Genome position (GRCh38, 1-based): chr10:68,166,586, G>A. VCF-style: chr10-68166586-G-A. GRCh37 (hg19) VCF-style: chr10-69926343-G-A.
Other names: p.Arg631=; c.1893G>A, p.Arg631= (NM_001256267.2); c.1011G>A, p.Arg337= (NM_001256268.2).
Identifiers: ClinVar variation 226841 (VCV000226841.28), dbSNP rs145440469, ClinGen allele CA5522676.

ClinVar aggregate classification (germline): Benign/Likely benign. Review status: criteria provided, multiple submitters, no conflicts (2 of 4 stars). 12 submissions from 12 submitters: Benign (5); Likely benign (5). 2 of the submissions do not count toward it. Last evaluated 2026-06-01.

Conditions:
Cardiovascular phenotype. Identifiers: MedGen CN230736.
Dilated cardiomyopathy 1KK (CMD1KK). Identifiers: Orphanet 154, Orphanet 75249, MedGen C3714995, MONDO:0014100, OMIM 615248.

Allele frequency attached by ClinVar (database versions not stated): ExAC 0.00046; 1000 Genomes Project 0.00120; 1000 Genomes Project 30x 0.00141; ESP Exome Variant Server 0.00146; TOPMed 0.00194; gnomAD 0.00198.
gnomAD v4.1: 566 of 1,614,118 alleles (0.035%); highest among the groups gnomAD compares: African/African-American, 0.68%; 1 homozygote.

Submissions (12):

CeGaT Center for Human Genetics Tuebingen
Classification: Likely benign. Last evaluated: 2026-06-01. Review status: criteria provided, single submitter. Criteria: CeGaT Center For Human Genetics Tuebingen Variant Classification Criteria Version 2. Collection method: clinical testing. Allele origin: germline. Affected: yes. Observed: 1 variant allele.
Comment: MYPN: BP4, BP7

Labcorp Genetics (formerly Invitae), Labcorp
Classification: Benign for Dilated cardiomyopathy 1KK. Last evaluated: 2026-02-02. Review status: criteria provided, single submitter. Criteria: Invitae Variant Classification Sherloc (09022015). Collection method: clinical testing. Allele origin: germline.

Mayo Clinic Laboratories, Mayo Clinic
Classification: Benign. Last evaluated: 2024-12-10. Review status: criteria provided, single submitter. Criteria: ACMG Guidelines, 2015. Collection method: clinical testing. Allele origin: germline. Observed: 1 variant allele.
Comment: BA1, BS1, BP4, BP7

Blueprint Genetics
Classification: Likely benign. Last evaluated: 2024-09-23. Review status: criteria provided, single submitter. Criteria: ACMG Guidelines, 2015. Collection method: clinical testing. Allele origin: germline.

Women's Health and Genetics/Laboratory Corporation of America, LabCorp
Classification: Benign. Last evaluated: 2023-08-19. Review status: criteria provided, single submitter. Criteria: LabCorp Variant Classification Summary - May 2015. Collection method: clinical testing. Allele origin: germline.

Clinical Genetics DNA and cytogenetics Diagnostics Lab, Erasmus MC, Erasmus Medical Center
Classification: Likely benign for Dilated cardiomyopathy 1KK. Last evaluated: 2017-09-14. Review status: criteria provided, single submitter. Criteria: ACGS Guidelines, 2013. Collection method: clinical testing. Allele origin: germline. Affected: yes. Study: VKGL Data-share Consensus.

Ambry Genetics
Classification: Likely benign for Cardiovascular phenotype. Last evaluated: 2015-10-20. Review status: criteria provided, single submitter. Criteria: Ambry Variant Classification Scheme 2023. Collection method: clinical testing. Allele origin: germline.

GeneDx
Classification: Benign. Last evaluated: 2015-03-03. Review status: criteria provided, single submitter. Criteria: GeneDx Variant Classification Process June 2021. Collection method: clinical testing. Allele origin: germline. Affected: yes.

Laboratory for Molecular Medicine, Mass General Brigham Personalized Medicine
Classification: Benign. Last evaluated: 2014-11-24. Review status: criteria provided, single submitter. Criteria: LMM Criteria. Collection method: clinical testing. Allele origin: germline. Observed: 2 variant alleles.
Comment: Arg631Arg in exon 11 of MYPN: This variant is not expected to have clinical sign ificance because it does not alter an amino acid residue and is not located with in the splice consensus sequence. It has been identified in 0.4% (19/4406) of Af rican American chromosomes from a broad population by the NHLBI Exome Sequencing Project (dbSNP rs145440469).

Breakthrough Genomics
Classification: Likely benign. Review status: criteria provided, single submitter. Criteria: ACMG Guidelines, 2015. Collection method: not provided. Allele origin: germline. Inheritance: Autosomal recessive inheritance. Affected: yes.

Clinical Genetics, Academic Medical Center
Classification: Benign. Review status: no assertion criteria provided. Collection method: clinical testing. Allele origin: germline. Affected: yes. Study: VKGL Data-share Consensus. Not counted in ClinVar's aggregate classification.

Diagnostic Laboratory, Department of Genetics, University Medical Center Groningen
Classification: Likely benign for Dilated cardiomyopathy 1KK. Review status: no assertion criteria provided. Collection method: clinical testing. Allele origin: germline. Affected: yes. Study: VKGL Data-share Consensus. Not counted in ClinVar's aggregate classification.